The following is an entry in ClinVar:

ClinVar aggregate classification (germline): Uncertain significance (1 of 4 stars; one submission).

Conditions:
BBS4-related disorder. Also called: BBS4-related condition.

Submission:

PreventionGenetics, part of Exact Sciences
Classification: Uncertain significance for BBS4-related condition. Last evaluated: 2025-10-20. Review status: criteria provided, single submitter. Criteria: ACMG Guidelines, 2015. Collection method: clinical testing. Allele origin: germline.
Comment: The BBS4 c.857A>G variant is predicted to result in the amino acid substitution p.Tyr286Cys. To our knowledge, this variant has not been reported in the literature or in a large population database (gnomAD), indicating this variant is rare. At this time, the clinical significance of this variant is uncertain due to the absence of conclusive functional and genetic evidence.

NM_033028.5(BBS4):c.857A>G (p.Tyr286Cys)

Gene: BBS4 (Bardet-Biedl syndrome 4; plus strand). Cytogenetic location: 15q24.1.
Variant type: single nucleotide variant.
Coding change: c.857A>G on transcript NM_033028.5 (MANE Select); coding-DNA position 857, A replaced by G.
Protein change: p.Tyr286Cys; replaces tyrosine 286 with cysteine.
Molecular consequence: missense variant. On other transcripts: non-coding transcript variant (2).
Genome position (GRCh38, 1-based): chr15:72,731,450, A>G. VCF-style: chr15-72731450-A-G. GRCh37 (hg19) VCF-style: chr15-73023791-A-G.
Other names: c.341A>G, p.Tyr114Cys (NM_001252678.2); c.788A>G, p.Tyr263Cys (NM_001320665.2); short protein forms Y263C, Y286C, Y114C.
Identifiers: ClinVar variation 4993453 (VCV004993453.1).
Genomic context (GRCh38, chr15:72,731,450, plus strand): 5'-TTCCAGAAAGTCCTCCACTCTGGAATAACATTGGAATGTGTTTCTTTGGCAAGAAGAAAT[A>G]TGTGGCGGTGAGTGTCCCCTCATGTTCTTTGTTTGTATTTCTACATGTGGTTATTGGGTC-3'
Protein context (NP_149017.2, residues 276-296): IGMCFFGKKK[Tyr286Cys]VAAISCLKRA